The following is an entry in ClinVar:

NM_178335.3(CCDC50):c.895G>A (p.Gly299Ser)

Gene: CCDC50 (coiled-coil domain containing 50; plus strand). Cytogenetic location: 3q28.
Variant type: single nucleotide variant.
Coding change: c.895G>A on transcript NM_178335.3 (MANE Select); coding-DNA position 895, G replaced by A.
Protein change: p.Gly299Ser; replaces glycine 299 with serine.
Molecular consequence: missense variant. On other transcripts: intron variant (1).
Genome position (GRCh38, 1-based): chr3:191,375,508, G>A. VCF-style: chr3-191375508-G-A. GRCh37 (hg19) VCF-style: chr3-191093297-G-A.
Other names: c.449-4651G>A (NM_174908.4); short protein forms G299S.
Identifiers: ClinVar variation 2752172 (VCV002752172.3), dbSNP rs2474054174, ClinGen allele CA355764869.
Genomic context (GRCh38, chr3:191,375,508, plus strand): 5'-TCCTCACAAAAAGCAGGGCTTCACTGCAAGGAAGTTGTATATGGGAGGGACCATGGGCAA[G>A]GTGAGCACAGAAAAAGGAGACACAGGCCCAGGACTCCTCCATTCTCAGAGAGTGAGGAGC-3'
Protein context (NP_848018.1, residues 289-309): EVVYGRDHGQ[Gly299Ser]EHRKRRHRPR

ClinVar aggregate classification (germline): Uncertain significance (1 of 4 stars; one submission).

Submission:

Labcorp Genetics (formerly Invitae), Labcorp
Classification: Uncertain significance. Last evaluated: 2023-08-11. Review status: criteria provided, single submitter. Criteria: Invitae Variant Classification Sherloc (09022015). Collection method: clinical testing. Allele origin: germline.
Comment: This sequence change replaces glycine, which is neutral and non-polar, with serine, which is neutral and polar, at codon 299 of the CCDC50 protein (p.Gly299Ser). This variant is not present in population databases (gnomAD no frequency). This variant has not been reported in the literature in individuals affected with CCDC50-related conditions. An algorithm developed to predict the effect of missense changes on protein structure and function (PolyPhen-2) suggests that this variant is likely to be disruptive. In summary, the available evidence is currently insufficient to determine the role of this variant in disease. Therefore, it has been classified as a Variant of Uncertain Significance.